The following is an entry in ClinVar:

NM_173630.4(RTTN):c.562C>T (p.Leu188Phe)

Gene: RTTN (rotatin; minus strand). Cytogenetic location: 18q22.2.
Variant type: single nucleotide variant.
Coding change: c.562C>T on transcript NM_173630.4 (MANE Select); coding-DNA position 562, C replaced by T.
Protein change: p.Leu188Phe; replaces leucine 188 with phenylalanine.
Molecular consequence: missense variant. On other transcripts: 5 prime UTR variant (1).
Genome position (GRCh38, 1-based): chr18:70,199,430, G>A on the plus strand (C>T on the coding strand, the complement: RTTN is on the minus strand). VCF-style: chr18-70199430-G-A. GRCh37 (hg19) VCF-style: chr18-67866666-G-A.
Other names: c.-1992C>T (NM_001318520.2); short protein forms L188F.
Identifiers: ClinVar variation 3368955 (VCV003368955.1).

ClinVar aggregate classification (germline): Uncertain significance (1 of 4 stars; one submission).

gnomAD v4.1: 1 of 1,610,570 alleles (0.000062%); highest among the groups gnomAD compares: Admixed American, 0.0017%; no homozygotes.

Submission:

GeneDx
Classification: Uncertain significance. Last evaluated: 2024-02-09. Review status: criteria provided, single submitter. Criteria: GeneDx Variant Classification Process June 2021. Collection method: clinical testing. Allele origin: germline. Affected: yes.
Comment: Not observed at significant frequency in large population cohorts (gnomAD); In silico analysis supports that this missense variant has a deleterious effect on protein structure/function; Has not been previously published as pathogenic or benign to our knowledge